The following is an entry in ClinVar:

ClinVar aggregate classification (germline): Likely benign. Review status: criteria provided, multiple submitters, no conflicts (2 of 4 stars). 2 submissions from 2 submitters: Likely benign (2). Last evaluated 2025-03-28.

Allele frequency attached by ClinVar (database versions not stated): gnomAD exomes below 0.00001; TOPMed below 0.00001.
gnomAD v4.1: 2 of 1,607,310 alleles (0.00012%); highest among the groups gnomAD compares: East Asian, 0.0022%; no homozygotes.

Submissions (2):

Mayo Clinic Laboratories, Mayo Clinic
Classification: Likely benign. Last evaluated: 2025-03-28. Review status: criteria provided, single submitter. Criteria: ACMG Guidelines, 2015. Collection method: clinical testing. Allele origin: germline. Observed: 1 variant allele.
Comment: BP4, BP7, PM2_supporting

Ambry Genetics
Classification: Likely benign. Last evaluated: 2022-04-27. Review status: criteria provided, single submitter. Criteria: Ambry Variant Classification Scheme 2023. Collection method: clinical testing. Allele origin: germline.

NM_022051.3(EGLN1):c.507C>T (p.Pro169=)

Gene: EGLN1 (egl-9 family hypoxia inducible factor 1; minus strand). Cytogenetic location: 1q42.2.
Variant type: single nucleotide variant.
Coding change: c.507C>T on transcript NM_022051.3 (MANE Select); coding-DNA position 507, C replaced by T.
Protein change: p.Pro169=; no amino-acid change (proline 169 retained).
Molecular consequence: synonymous variant.
Genome position (GRCh38, 1-based): chr1:231,421,382, G>A on the plus strand (C>T on the coding strand, the complement: EGLN1 is on the minus strand). VCF-style: chr1-231421382-G-A. GRCh37 (hg19) VCF-style: chr1-231557128-G-A.
Other names: p.Pro169=; c.507C>T, p.Pro169= (NM_001377260.1, NM_001377261.1).
Identifiers: ClinVar variation 1745206 (VCV001745206.3), dbSNP rs756999294, ClinGen allele CA1453161.
Genomic context (GRCh38, chr1:231,421,382, plus strand): 5'-CGGCAGGGGCTTCGTCTGCCCGTTGGGCCGCAGGCCGCCGCCGGGGCTCAGCGCATCCCC[G>A]GGCGTGTTGCTTGGGGGGTACAGGTTCGCCTTCTCCTGGAACAGCGATGAGCGGGCCGGC-3'
Protein context (NP_071334.1, residues 159-179): KANLYPPSNT[Pro169=]GDALSPGGGL